The following is an entry in ClinVar:

ClinVar aggregate classification (germline): Pathogenic (1 of 4 stars; one submission).

Conditions:
Granulomatous disease, chronic, autosomal recessive, cytochrome b-positive, type 2. Also called: CGD, AUTOSOMAL RECESSIVE CYTOCHROME b-POSITIVE, TYPE II; Chronic granulomatous disease due to deficiency of NCF-2; Chronic Granulomatous Disease, Autosomal Recessive, Cytochrome b-Positive, Type II; GRANULOMATOUS DISEASE, CHRONIC, AUTOSOMAL RECESSIVE, 2; GRANULOMATOUS DISEASE, CHRONIC, DUE TO NCF2 DEFICIENCY. Identifiers: Orphanet 379, MedGen C1856245, MONDO:0009310, OMIM 233710.

Submission:

Labcorp Genetics (formerly Invitae), Labcorp
Classification: Pathogenic for Granulomatous disease, chronic, autosomal recessive, cytochrome b-positive, type 2. Last evaluated: 2022-08-24. Review status: criteria provided, single submitter. Criteria: Invitae Variant Classification Sherloc (09022015). Collection method: clinical testing. Allele origin: germline.
Comment: For these reasons, this variant has been classified as Pathogenic. This variant has not been reported in the literature in individuals affected with NCF2-related conditions. This variant is not present in population databases (gnomAD no frequency). This sequence change creates a premature translational stop signal (p.Trp22*) in the NCF2 gene. It is expected to result in an absent or disrupted protein product. Loss-of-function variants in NCF2 are known to be pathogenic (PMID: 10498624, 20167518).

Literature cited by the submitters: PubMed 10498624; PubMed 20167518.

NM_000433.4(NCF2):c.65G>A (p.Trp22Ter)

Gene: NCF2 (neutrophil cytosolic factor 2; minus strand). Cytogenetic location: 1q25.3.
Variant type: single nucleotide variant.
Coding change: c.65G>A on transcript NM_000433.4 (MANE Select); coding-DNA position 65, G replaced by A.
Protein change: p.Trp22Ter; replaces tryptophan 22 with a stop codon.
Molecular consequence: nonsense.
Genome position (GRCh38, 1-based): chr1:183,590,265, C>T on the plus strand (G>A on the coding strand, the complement: NCF2 is on the minus strand). VCF-style: chr1-183590265-C-T. GRCh37 (hg19) VCF-style: chr1-183559400-C-T.
Other names: c.65G>A, p.Trp22Ter (NM_001127651.3, NM_001190789.2, NM_001190794.2 and 1 more transcripts); short protein forms W22*.
Identifiers: ClinVar variation 1952796 (VCV001952796.5), dbSNP rs2528039666, ClinGen allele CA343684958.